The following is an entry in ClinVar:

NM_001009944.3(PKD1):c.2782del (p.Ala928fs)

Gene: PKD1 (polycystin 1, transient receptor potential channel interacting; minus strand). Cytogenetic location: 16p13.3.
Variant type: Deletion.
Coding change: c.2782del on transcript NM_001009944.3 (MANE Select); coding-DNA position 2782, one base deleted (G; older notation c.2782delG).
Protein change: p.Ala928fs; shifts the reading frame from alanine 928.
Molecular consequence: frameshift variant.
Genome position (GRCh38, 1-based): chr16:2,114,241, C deleted on the plus strand (G on the coding strand, the reverse complement: PKD1 is on the minus strand); the first of 2 consecutive C bases (chr16:2,114,241-2,114,242); deleting either gives the same sequence. VCF-style (leftmost placement, unchanged base first): chr16-2114240-GC-G. GRCh37 (hg19) VCF-style: chr16-2164241-GC-G.
Other names: c.2782del, p.Ala928fs (NM_000296.4); short protein forms A928fs.
Identifiers: ClinVar variation 5038183 (VCV005038183.1).
Genomic context (GRCh38, chr16:2,114,240, plus strand): 5'-CCCTGCAGTACACGGGCCTCGGGGCTGGGCGTGGCGCGGAGGCCACAGATGGGCTCCTCC[GC>G]CGTCACCCGCAGGCTGAGGTTGGCCCGGCTGGCGCTGTTTTCCACCACCACGTCCACCAC-3'

ClinVar aggregate classification (germline): Pathogenic (1 of 4 stars; one submission).

Conditions:
Polycystic kidney disease, adult type (PKD1). Also called: Polycystic Kidney Disease 1, Autosomal Dominant; POLYCYSTIC KIDNEY DISEASE, ADULT, TYPE I; Polycystic kidney disease 1; Polycystic kidney disease 1, severe; POLYCYSTIC KIDNEY DISEASE 1 WITH OR WITHOUT POLYCYSTIC LIVER DISEASE; Polycystic Kidney, Autosomal Dominant. Identifiers: MedGen C3149841, MONDO:0008263, OMIM 173900.

Submission:

MVZ Medizinische Genetik Mainz
Classification: Pathogenic for Polycystic kidney disease, adult type. Last evaluated: 2026-04-14. Review status: criteria provided, single submitter. Criteria: UK Practice Guidelines For Variant Classification V4 01 2020. Collection method: clinical testing. Allele origin: germline. Inheritance: Autosomal dominant inheritance. Affected: yes. Observed: 1 variant allele.
Comment: ACMG Criteria: PVS1,PM2_SUP,PP4